The following is an entry in ClinVar:

NC_000003.12:g.(?_81642771)_(81643000_?)del

Gene: GBE1 (1,4-alpha-glucan branching enzyme 1; minus strand). Cytogenetic location: 3p12.2.
Variant type: Deletion.
Identifiers: ClinVar variation 831402 (VCV000831402.7).

ClinVar aggregate classification (germline): Pathogenic (1 of 4 stars; one submission).

Conditions:
Glycogen storage disease, type IV (GSD4). Also called: Glycogen storage disease due to glycogen branching enzyme deficiency; AMYLOPECTINOSIS; ANDERSEN DISEASE; BRANCHER DEFICIENCY; CIRRHOSIS, FAMILIAL, WITH DEPOSITION OF ABNORMAL GLYCOGEN; GBE1 DEFICIENCY. Identifiers: Orphanet 367, MedGen C0017923, MONDO:0009292, OMIM 232500.
Glycogen storage disease IV, classic hepatic. Also called: GSD IV, CLASSIC HEPATIC. Identifiers: MedGen C1856301.

Submission:

Labcorp Genetics (formerly Invitae), Labcorp
Classification: Pathogenic for Glycogen storage disease, type IV; Glycogen storage disease IV, classic hepatic. Last evaluated: 2022-06-10. Review status: criteria provided, single submitter. Criteria: Invitae Variant Classification Sherloc (09022015). Collection method: clinical testing. Allele origin: germline.
Comment: This variant is a gross deletion of the genomic region encompassing exon(s) 7 of the GBE1 gene. This variant would be expected to be in-frame, preserving the integrity of the reading frame. A similar copy number variant has been observed in individual(s) with glycogen storage disease type IV (PMID: 21917543). In at least one individual the data is consistent with being in trans (on the opposite chromosome) from a pathogenic variant. This variant disrupts the p.Tyr329 amino acid residue in GBE1. Other variant(s) that disrupt this residue have been determined to be pathogenic (PMID: 8613547, 20655781, 24082139, 25133958, 26199317). This suggests that this residue is clinically significant, and that variants that disrupt this residue are likely to be disease-causing. For these reasons, this variant has been classified as Pathogenic.

Literature cited by the submitters: PubMed 21917543; PubMed 8613547; PubMed 20655781; PubMed 24082139; PubMed 25133958; PubMed 26199317.